The following is an entry in ClinVar:

ClinVar aggregate classification (germline): Likely pathogenic (1 of 4 stars; one submission).

gnomAD v4.1: 2 of 1,605,902 alleles (0.00012%); highest among the groups gnomAD compares: East Asian, 0.0022%; no homozygotes.

Submission:

Quest Diagnostics Nichols Institute San Juan Capistrano
Classification: Likely pathogenic. Last evaluated: 2025-09-29. Review status: criteria provided, single submitter. Criteria: Quest Diagnostics criteria. Collection method: clinical testing. Allele origin: unknown.
Comment: The VWF c.1729+1G>A variant disrupts a canonical splice-donor site and is predicted to interfere with normal VWF mRNA splicing. To the best of our knowledge, this variant has not been reported in the published literature. The frequency of this variant in the general population (Genome Aggregation Database) is consistent with pathogenicity. Based on the available information, this variant is classified as likely pathogenic.

NM_000552.5(VWF):c.1729+1G>A

Gene: VWF (von Willebrand factor; minus strand). Cytogenetic location: 12p13.31.
Variant type: single nucleotide variant.
Coding change: c.1729+1G>A on transcript NM_000552.5 (MANE Select); the canonical splice donor site of the intron after coding-DNA position 1729, G replaced by A.
Molecular consequence: splice donor variant.
Genome position (GRCh38, 1-based): chr12:6,057,848, C>T on the plus strand (G>A on the coding strand, the complement: VWF is on the minus strand). VCF-style: chr12-6057848-C-T. GRCh37 (hg19) VCF-style: chr12-6167014-C-T.
Identifiers: ClinVar variation 4532996 (VCV004532996.1).
Genomic context (GRCh38, chr12:6,057,848, plus strand): 5'-GCACTAATGTGGAGACCTCGAGATTCTGCGAGGTCCCTGCCTTGCCCCCGGGTTCACATA[C>T]TCATGCGCGGGTTGAGGGCGCAGGGATCGCTGTGCTGCTTCTGCAGGTCCTGGCAGTCCC-3'